The following is an entry in ClinVar:

ClinVar aggregate classification (germline): Likely pathogenic (1 of 4 stars; one submission).

Conditions:
Precocious puberty, central, 2 (CPPB2). Identifiers: Orphanet 759, MedGen C3809199, MONDO:0014137, OMIM 615346.

Submission:

Genetics and Personalized Medicine Clinic, Tartu University Hospital
Classification: Likely pathogenic for Precocious puberty, central, 2. Last evaluated: 2019-03-24. Review status: criteria provided, single submitter. Criteria: ACMG Guidelines, 2015. Collection method: clinical testing. Allele origin: paternal. Inheritance: Autosomal dominant inheritance with maternal imprinting. Affected: yes. Observed: 1 heterozygote.
Comment: 4 patients with central precocious puberty were members of one big family and had the same heterozygous paternally inherited mutation. As the phenotype is specific, segregates well in family, multiple computational tools support damaging effect, and mutation is absent from gnomAD, we classify it as likely pathogenic.

NM_005664.4(MKRN3):c.326G>A (p.Cys109Tyr)

Gene: MKRN3 (makorin ring finger protein 3; plus strand). Cytogenetic location: 15q11.2.
Variant type: single nucleotide variant.
Coding change: c.326G>A on transcript NM_005664.4 (MANE Select); coding-DNA position 326, G replaced by A.
Protein change: p.Cys109Tyr; replaces cysteine 109 with tyrosine.
Molecular consequence: missense variant.
Genome position (GRCh38, 1-based): chr15:23,566,108, G>A. VCF-style: chr15-23566108-G-A. GRCh37 (hg19) VCF-style: chr15-23811255-G-A.
Other names: short protein forms C109Y.
Identifiers: ClinVar variation 625144 (VCV000625144.3), dbSNP rs1566764505, ClinGen allele CA391454684.